The following is an entry in ClinVar:

ClinVar aggregate classification (germline): Benign/Likely benign. Review status: criteria provided, multiple submitters, no conflicts (2 of 4 stars). 3 submissions from 3 submitters: Benign (1); Likely benign (2). Last evaluated 2025-11-23.

Conditions:
Adult-onset autosomal dominant demyelinating leukodystrophy. Identifiers: Orphanet 99027, MedGen C1868512, MONDO:0008215.

Allele frequency attached by ClinVar (database versions not stated): 1000 Genomes Project 0.00020; gnomAD exomes 0.00021 and 0.00036; ESP Exome Variant Server 0.00023; gnomAD 0.00030 and 0.00031; 1000 Genomes Project 30x 0.00031; TOPMed 0.00031; ExAC 0.00032.
gnomAD v4.1: 382 of 1,593,078 alleles (0.024%); highest among the groups gnomAD compares: Admixed American, 0.026%; 2 homozygotes.

Submissions (3):

Labcorp Genetics (formerly Invitae), Labcorp
Classification: Likely benign. Last evaluated: 2025-11-23. Review status: criteria provided, single submitter. Criteria: Invitae Variant Classification Sherloc (09022015). Collection method: clinical testing. Allele origin: germline.

Blueprint Genetics
Classification: Likely benign. Last evaluated: 2024-11-26. Review status: criteria provided, single submitter. Criteria: ACMG Guidelines, 2015. Collection method: clinical testing. Allele origin: germline.

Illumina Laboratory Services, Illumina
Classification: Benign for Leukodystrophy, demyelinating, adult-onset, autosomal dominant, typical. Last evaluated: 2018-01-13. Review status: criteria provided, single submitter. Criteria: ICSL Variant Classification Criteria 13 December 2019. Collection method: clinical testing. Allele origin: germline.
Comment: This variant was observed in the ICSL laboratory as part of a predisposition screen in an ostensibly healthy population. It had not been previously curated by ICSL or reported in the Human Gene Mutation Database (HGMD: prior to June 1st, 2018), and was therefore a candidate for classification through an automated scoring system. Utilizing variant allele frequency, disease prevalence and penetrance estimates, and inheritance mode, an automated score was calculated to assess if this variant is too frequent to cause the disease. Based on the score and internal cut-off values, a variant classified as benign is not then subjected to further curation. The score for this variant resulted in a classification of benign for this disease.

NM_005573.4(LMNB1):c.642+10T>C

Gene: LMNB1 (lamin B1; plus strand). Cytogenetic location: 5q23.2.
Variant type: single nucleotide variant.
Coding change: c.642+10T>C on transcript NM_005573.4 (MANE Select); 10 bases into the intron after coding-DNA position 642, T replaced by C.
Molecular consequence: intron variant.
Genome position (GRCh38, 1-based): chr5:126,805,706, T>C. VCF-style: chr5-126805706-T-C. GRCh37 (hg19) VCF-style: chr5-126141398-T-C.
Other names: c.12+10T>C (NM_001198557.2).
Identifiers: ClinVar variation 350613 (VCV000350613.14), dbSNP rs200907573, ClinGen allele CA3390506.